The following is an entry in ClinVar:

NM_001458.5(FLNC):c.6260A>G (p.Asn2087Ser)

Genes: FLNC (filamin C; plus strand), FLNC-AS1 (FLNC antisense RNA 1; minus strand). Cytogenetic location: 7q32.1.
Variant type: single nucleotide variant.
Coding change: c.6260A>G on transcript NM_001458.5 (MANE Select); coding-DNA position 6260, A replaced by G.
Protein change: p.Asn2087Ser; replaces asparagine 2087 with serine.
Molecular consequence: missense variant.
Genome position (GRCh38, 1-based): chr7:128,853,520, A>G. VCF-style: chr7-128853520-A-G. GRCh37 (hg19) VCF-style: chr7-128493574-A-G.
Other names: c.6161A>G, p.Asn2054Ser (NM_001127487.2); short protein forms N2054S, N2087S.
Identifiers: ClinVar variation 3748377 (VCV003748377.3).

ClinVar aggregate classification (germline): Uncertain significance. Review status: criteria provided, multiple submitters, no conflicts (2 of 4 stars). 2 submissions from 2 submitters: Uncertain significance (2). Last evaluated 2025-09-18.

Conditions:
Hypertrophic cardiomyopathy 26. Also called: Cardiomyopathy, familial hypertrophic, 26. Identifiers: Orphanet 75249, MedGen C4310749, MONDO:0014883, OMIM 617047.
Myofibrillar myopathy 5. Also called: Filaminopathy (type); FILAMINOPATHY, AUTOSOMAL DOMINANT. Identifiers: Orphanet 171445, MedGen C1836050, MONDO:0012289, OMIM 609524.
Distal myopathy with posterior leg and anterior hand involvement. Also called: WILLIAMS DISTAL MYOPATHY. Identifiers: Orphanet 63273, MedGen C3279722, MONDO:0013550, OMIM 614065.
Cardiovascular phenotype. Identifiers: MedGen CN230736.

gnomAD v4.1: 1 of 1,614,002 alleles (0.000062%); highest among the groups gnomAD compares: Admixed American, 0.0017%; no homozygotes.

Submissions (2):

Ambry Genetics
Classification: Uncertain significance for Cardiovascular phenotype. Last evaluated: 2025-09-18. Review status: criteria provided, single submitter. Criteria: Ambry Variant Classification Scheme 2023. Collection method: clinical testing. Allele origin: germline.
Comment: The p.N2087S variant (also known as c.6260A>G), located in coding exon 38 of the FLNC gene, results from an A to G substitution at nucleotide position 6260. The asparagine at codon 2087 is replaced by serine, an amino acid with highly similar properties. This amino acid position is conserved. In addition, this alteration is predicted to be tolerated by in silico analysis. Based on the available evidence, the clinical significance of this variant remains unclear.

Labcorp Genetics (formerly Invitae), Labcorp
Classification: Uncertain significance for Distal myopathy with posterior leg and anterior hand involvement; Myofibrillar myopathy 5; Hypertrophic cardiomyopathy 26. Last evaluated: 2024-05-09. Review status: criteria provided, single submitter. Criteria: Invitae Variant Classification Sherloc (09022015). Collection method: clinical testing. Allele origin: germline.
Comment: This sequence change replaces asparagine, which is neutral and polar, with serine, which is neutral and polar, at codon 2087 of the FLNC protein (p.Asn2087Ser). This variant is not present in population databases (gnomAD no frequency). This variant has not been reported in the literature in individuals affected with FLNC-related conditions. Advanced modeling of protein sequence and biophysical properties (such as structural, functional, and spatial information, amino acid conservation, physicochemical variation, residue mobility, and thermodynamic stability) has been performed at Invitae for this missense variant, however the output from this modeling did not meet the statistical confidence thresholds required to predict the impact of this variant on FLNC protein function. In summary, the available evidence is currently insufficient to determine the role of this variant in disease. Therefore, it has been classified as a Variant of Uncertain Significance.